The following is an entry in ClinVar:

NM_001184.4(ATR):c.6404C>G (p.Pro2135Arg)

Gene: ATR (ATR checkpoint kinase; minus strand). Cytogenetic location: 3q23.
Variant type: single nucleotide variant.
Coding change: c.6404C>G on transcript NM_001184.4 (MANE Select); coding-DNA position 6404, C replaced by G.
Protein change: p.Pro2135Arg; replaces proline 2135 with arginine.
Molecular consequence: missense variant.
Genome position (GRCh38, 1-based): chr3:142,469,485, G>C on the plus strand (C>G on the coding strand, the complement: ATR is on the minus strand). VCF-style: chr3-142469485-G-C. GRCh37 (hg19) VCF-style: chr3-142188327-G-C.
Other names: c.6212C>G, p.Pro2071Arg (NM_001354579.2); short protein forms P2071R, P2135R.
Identifiers: ClinVar variation 1368725 (VCV001368725.8), dbSNP rs1407717818, ClinGen allele CA354805006.

ClinVar aggregate classification (germline): Uncertain significance (1 of 4 stars; one submission).

Allele frequency attached by ClinVar (database versions not stated): gnomAD exomes below 0.00001.
gnomAD v4.1: 1 of 1,613,576 alleles (0.000062%); highest among the groups gnomAD compares: East Asian, 0.0022%; no homozygotes.

Submission:

Labcorp Genetics (formerly Invitae), Labcorp
Classification: Uncertain significance. Last evaluated: 2025-10-20. Review status: criteria provided, single submitter. Criteria: Invitae Variant Classification Sherloc (09022015). Collection method: clinical testing. Allele origin: germline.
Comment: This sequence change replaces proline, which is neutral and non-polar, with arginine, which is basic and polar, at codon 2135 of the ATR protein (p.Pro2135Arg). This variant is present in population databases (no rsID available, gnomAD 0.006%). This variant has not been reported in the literature in individuals affected with ATR-related conditions. ClinVar contains an entry for this variant (Variation ID: 1368725). An algorithm developed to predict the effect of missense changes on protein structure and function (PolyPhen-2) suggests that this variant is likely to be disruptive. In summary, the available evidence is currently insufficient to determine the role of this variant in disease. Therefore, it has been classified as a Variant of Uncertain Significance.